The following is an entry in ClinVar:

ClinVar aggregate classification (germline): Uncertain significance (1 of 4 stars; one submission).

Allele frequency attached by ClinVar (database versions not stated): ExAC 0.00001.
gnomAD v4.1: 3 of 1,571,854 alleles (0.00019%); highest among the groups gnomAD compares: Non-Finnish European, 0.00026%; no homozygotes.

Submission:

Labcorp Genetics (formerly Invitae), Labcorp
Classification: Uncertain significance. Last evaluated: 2022-04-08. Review status: criteria provided, single submitter. Criteria: Invitae Variant Classification Sherloc (09022015). Collection method: clinical testing. Allele origin: germline.
Comment: This sequence change replaces glycine, which is neutral and non-polar, with arginine, which is basic and polar, at codon 446 of the AGPS protein (p.Gly446Arg). The frequency data for this variant in the population databases is considered unreliable, as metrics indicate poor data quality at this position in the gnomAD database. This variant has not been reported in the literature in individuals affected with AGPS-related conditions. Algorithms developed to predict the effect of missense changes on protein structure and function are either unavailable or do not agree on the potential impact of this missense change (SIFT: "Deleterious"; PolyPhen-2: "Benign"; Align-GVGD: "Class C0"). Algorithms developed to predict the effect of sequence changes on RNA splicing suggest that this variant may create or strengthen a splice site. In summary, the available evidence is currently insufficient to determine the role of this variant in disease. Therefore, it has been classified as a Variant of Uncertain Significance.

NM_003659.4(AGPS):c.1336G>A (p.Gly446Arg)

Gene: AGPS (alkylglycerone phosphate synthase; plus strand). Cytogenetic location: 2q31.2.
Variant type: single nucleotide variant.
Coding change: c.1336G>A on transcript NM_003659.4 (MANE Select); coding-DNA position 1336, G replaced by A.
Protein change: p.Gly446Arg; replaces glycine 446 with arginine.
Molecular consequence: missense variant.
Genome position (GRCh38, 1-based): chr2:177,497,739, G>A. VCF-style: chr2-177497739-G-A. GRCh37 (hg19) VCF-style: chr2-178362467-G-A.
Other names: short protein forms G446R.
Identifiers: ClinVar variation 2188007 (VCV002188007.1), dbSNP rs200882758, ClinGen allele CA1980296.